The following is an entry in ClinVar:

NM_006015.6(ARID1A):c.284del (p.Gly95fs)

Gene: ARID1A (AT-rich interaction domain 1A; plus strand). Cytogenetic location: 1p36.11.
Variant type: Deletion.
Coding change: c.284del on transcript NM_006015.6 (MANE Select); coding-DNA position 284, one base deleted (G; older notation c.284delG).
Protein change: p.Gly95fs; shifts the reading frame from glycine 95.
Molecular consequence: frameshift variant.
Genome position (GRCh38, 1-based): chr1:26,696,687, G deleted; the last of 2 consecutive G bases (chr1:26,696,686-26,696,687); deleting either gives the same sequence. VCF-style (leftmost placement, unchanged base first): chr1-26696685-CG-C. GRCh37 (hg19) VCF-style: chr1-27023176-CG-C.
Other names: c.284del, p.Gly95fs (NM_139135.4); short protein forms G95fs.
Identifiers: ClinVar variation 2576602 (VCV002576602.3), dbSNP rs2525554035, ClinGen allele CA2580612925.
Genomic context (GRCh38, chr1:26,696,685, plus strand): 5'-GGACGGGGCCGAGAGCAATGGGGGTGGCGGCGGCGGCGGAGCCGGCAGCGGCGGCGGGCC[CG>C]GCGCGGAGCCGGACCTGAAGAACTCGAACGGGAACGCGGGCCCTAGGCCCGCCCTGAACA-3'

ClinVar aggregate classification (germline): Pathogenic (1 of 4 stars; one submission).

Conditions:
Intellectual disability, autosomal dominant 14 (CSS2). Also called: COFFIN-SIRIS SYNDROME 2. Identifiers: Orphanet 1465, MedGen C3553247, MONDO:0013819, OMIM 614607.

Submission:

Institute of Human Genetics, University of Leipzig Medical Center
Classification: Pathogenic for Intellectual disability, autosomal dominant 14. Last evaluated: 2023-06-12. Review status: criteria provided, single submitter. Criteria: ACMG Guidelines, 2015. Collection method: clinical testing. Allele origin: de novo. Inheritance: Autosomal dominant inheritance. Affected: yes.
Comment: Criteria applied: PVS1, PS2_MOD, PM2_MOD